The following is an entry in ClinVar:

ClinVar aggregate classification (germline): Uncertain significance (1 of 4 stars; one submission).

Conditions:
Familial cancer of breast. Also called: BREAST CANCER, FAMILIAL; hereditary breast carcinoma; Hereditary breast cancer. Identifiers: Orphanet 227535, MedGen C0346153, MONDO:0016419, OMIM 114480. Disease mechanism: loss of function.

Submission:

Labcorp Genetics (formerly Invitae), Labcorp
Classification: Uncertain significance for Familial cancer of breast. Last evaluated: 2023-05-16. Review status: criteria provided, single submitter. Criteria: Invitae Variant Classification Sherloc (09022015). Collection method: clinical testing. Allele origin: germline.
Comment: This variant is not present in population databases (gnomAD no frequency). In summary, the available evidence is currently insufficient to determine the role of this variant in disease. Therefore, it has been classified as a Variant of Uncertain Significance. An algorithm developed to predict the effect of missense changes on protein structure and function (PolyPhen-2) suggests that this variant is likely to be disruptive. ClinVar contains an entry for this variant (Variation ID: 662779). This variant has not been reported in the literature in individuals affected with CHEK2-related conditions. This sequence change replaces aspartic acid, which is acidic and polar, with glutamic acid, which is acidic and polar, at codon 368 of the CHEK2 protein (p.Asp368Glu).

NM_007194.4(CHEK2):c.1104T>A (p.Asp368Glu)

Gene: CHEK2 (checkpoint kinase 2; minus strand). Cytogenetic location: 22q12.1.
Variant type: single nucleotide variant.
Coding change: c.1104T>A on transcript NM_007194.4 (MANE Select); coding-DNA position 1104, T replaced by A.
Protein change: p.Asp368Glu; replaces aspartic acid 368 with glutamic acid.
Molecular consequence: missense variant.
Genome position (GRCh38, 1-based): chr22:28,695,865, A>T on the plus strand (T>A on the coding strand, the complement: CHEK2 is on the minus strand). VCF-style: chr22-28695865-A-T. GRCh37 (hg19) VCF-style: chr22-29091853-A-T.
Other names: c.1233T>A, p.Asp411Glu (NM_001005735.3); c.441T>A, p.Asp147Glu (NM_001257387.3); c.903T>A, p.Asp301Glu (NM_001349956.3); c.1017T>A, p.Asp339Glu (NM_145862.3); short protein forms D411E, D301E, D339E, D147E, D368E.
Identifiers: ClinVar variation 662779 (VCV000662779.9), dbSNP rs1601723630, ClinGen allele CA411097168.